The following is an entry in ClinVar:

ClinVar aggregate classification (germline): Uncertain significance (1 of 4 stars; one submission).

gnomAD v4.1: 5 of 1,614,126 alleles (0.00031%); highest among the groups gnomAD compares: African/African-American, 0.0053%; no homozygotes.

Submission:

Labcorp Genetics (formerly Invitae), Labcorp
Classification: Uncertain significance. Last evaluated: 2022-07-25. Review status: criteria provided, single submitter. Criteria: Invitae Variant Classification Sherloc (09022015). Collection method: clinical testing. Allele origin: germline.
Comment: This sequence change replaces glutamic acid, which is acidic and polar, with lysine, which is basic and polar, at codon 1041 of the DNAH9 protein (p.Glu1041Lys). This variant is not present in population databases (gnomAD no frequency). This variant has not been reported in the literature in individuals affected with DNAH9-related conditions. Algorithms developed to predict the effect of missense changes on protein structure and function (SIFT, PolyPhen-2, Align-GVGD) all suggest that this variant is likely to be tolerated. In summary, the available evidence is currently insufficient to determine the role of this variant in disease. Therefore, it has been classified as a Variant of Uncertain Significance.

NM_001372.4(DNAH9):c.3121G>A (p.Glu1041Lys)

Genes: DNAH9 (dynein axonemal heavy chain 9; plus strand), LOC126862505 (BRD4-independent group 4 enhancer GRCh37_chr17:11572478-11573677; plus strand). Cytogenetic location: 17p12.
Variant type: single nucleotide variant.
Coding change: c.3121G>A on transcript NM_001372.4 (MANE Select); coding-DNA position 3121, G replaced by A.
Protein change: p.Glu1041Lys; replaces glutamic acid 1041 with lysine.
Molecular consequence: missense variant.
Genome position (GRCh38, 1-based): chr17:11,669,562, G>A. VCF-style: chr17-11669562-G-A. GRCh37 (hg19) VCF-style: chr17-11572879-G-A.
Other names: short protein forms E1041K.
Identifiers: ClinVar variation 1919321 (VCV001919321.2), dbSNP rs2073941372, ClinGen allele CA398182651.
Genomic context (GRCh38, chr17:11,669,562, plus strand): 5'-CGGAAGGAGGTTCTGGGTCAGTTTCTGCTGTACGGGCACATCCTCACTCCGGAAGAAATT[G>A]AAGACCATGTGGAAGATGGCATCCCAGAGAACCCTCCCCTCCTTTCTCAGTTTAAAGTGC-3'
Protein context (NP_001363.2, residues 1031-1051): YGHILTPEEI[Glu1041Lys]DHVEDGIPEN